The following is an entry in ClinVar:

ClinVar aggregate classification (germline): Pathogenic (1 of 4 stars; one submission).

Conditions:
Trichorhinophalangeal syndrome, type III (TRPS3). Also called: SUGIO-KAJII SYNDROME. Identifiers: Orphanet 77258, MedGen C1860823, OMIM 190351, MONDO:0008597.
Trichorhinophalangeal dysplasia type I (TRPS1). Also called: TRPS I; TRICHORHINOPHALANGEAL SYNDROME, TYPE I. Identifiers: Orphanet 77258, MedGen C0432233, MONDO:0008596, OMIM 190350.

Submission:

Labcorp Genetics (formerly Invitae), Labcorp
Classification: Pathogenic for Trichorhinophalangeal syndrome, type III; Trichorhinophalangeal dysplasia type I. Last evaluated: 2020-07-16. Review status: criteria provided, single submitter. Criteria: Invitae Variant Classification Sherloc (09022015). Collection method: clinical testing. Allele origin: germline.
Comment: This variant is not present in population databases (ExAC no frequency). This sequence change creates a premature translational stop signal (p.Gly206Argfs*8) in the TRPS1 gene. It is expected to result in an absent or disrupted protein product. Loss-of-function variants in TRPS1 are known to be pathogenic (PMID: 11112658). This variant has not been reported in the literature in individuals with TRPS1-related conditions. For these reasons, this variant has been classified as Pathogenic.

Literature cited by the submitters: PubMed 11112658.

NM_014112.5(TRPS1):c.612_615dup (p.Gly206fs)

Gene: TRPS1 (transcriptional repressor GATA binding 1; minus strand). Cytogenetic location: 8q23.3.
Variant type: Duplication.
Coding change: c.612_615dup on transcript NM_014112.5 (MANE Select); coding-DNA positions 612 to 615, 4 bases duplicated (AGAT; older notation c.612_615dupAGAT).
Protein change: p.Gly206fs; shifts the reading frame from glycine 206.
Molecular consequence: frameshift variant.
Genome position (GRCh38, 1-based): chr8:115,619,483-115,619,486, ATCT duplicated on the plus strand (AGAT on the coding strand, the reverse complement: TRPS1 is on the minus strand). VCF-style (leftmost placement, unchanged base first): chr8-115619482-C-CATCT. GRCh37 (hg19) VCF-style: chr8-116631709-C-CATCT.
Other names: c.585_588dup, p.Gly197fs (NM_001282902.3); c.591_594dup, p.Gly199fs (NM_001282903.3); c.573_576dup, p.Gly193fs (NM_001330599.2); short protein forms G193fs, G197fs, G199fs, G206fs.
Identifiers: ClinVar variation 1069963 (VCV001069963.7), dbSNP rs2130531887, ClinGen allele CA2499219095.